The following is an entry in ClinVar:

NM_002528.7(NTHL1):c.20G>C (p.Arg7Thr)

Gene: NTHL1 (nth like DNA glycosylase 1; minus strand). Cytogenetic location: 16p13.3.
Variant type: single nucleotide variant.
Coding change: c.20G>C on transcript NM_002528.7 (MANE Select); coding-DNA position 20, G replaced by C.
Protein change: p.Arg7Thr; replaces arginine 7 with threonine.
Molecular consequence: missense variant. On other transcripts: 5 prime UTR variant (1).
Genome position (GRCh38, 1-based): chr16:2,047,804, C>G on the plus strand (G>C on the coding strand, the complement: NTHL1 is on the minus strand). VCF-style: chr16-2047804-C-G. GRCh37 (hg19) VCF-style: chr16-2097805-C-G.
Other names: c.20G>C, p.Arg7Thr (LRG_1366t1, NM_001318193.2); c.-159G>C (NM_001318194.2); short protein forms R7T.
Identifiers: ClinVar variation 664161 (VCV000664161.25), dbSNP rs930166212, ClinGen allele CA276766774.

ClinVar aggregate classification (germline): Uncertain significance. Review status: criteria provided, multiple submitters, no conflicts (2 of 4 stars). 10 submissions from 10 submitters: Uncertain significance (10). Last evaluated 2026-04-18.

Conditions:
NTHL1-related disorder. Also called: NTHL1-related condition; NTHL1-related conditions.
Hereditary cancer-predisposing syndrome. Also called: Tumor predisposition; Hereditary neoplastic syndrome; Hereditary Cancer Syndrome; Neoplastic Syndromes, Hereditary. Identifiers: Orphanet 140162, MedGen C0027672, MeSH D009386, MONDO:0015356.
Familial adenomatous polyposis 3. Also called: NTHL1-Related Adenomatous Polyposis and Colorectal Cancer; NTHL1-associated polyposis; NTHL1-related attenuated familial adenomatous polyposis; NTHL1 Tumor Syndrome. Identifiers: Orphanet 220460, Orphanet 454840, MedGen C4225157, MONDO:0014630, OMIM 616415.

Allele frequency attached by ClinVar (database versions not stated): gnomAD exomes below 0.00001; gnomAD 0.00001 and 0.00002.
gnomAD v4.1: 16 of 1,592,526 alleles (0.001%); highest among the groups gnomAD compares: East Asian, 0.011%; no homozygotes.

Submissions (10):

PreventionGenetics, part of Exact Sciences
Classification: Uncertain significance for NTHL1-related condition. Last evaluated: 2026-04-18. Review status: criteria provided, single submitter. Criteria: ACMG Guidelines, 2015. Collection method: clinical testing. Allele origin: germline.
Comment: The NTHL1 c.44G>C variant is predicted to result in the amino acid substitution p.Arg15Thr. To our knowledge, this variant has not been reported in the literature. This variant is reported in 0.064% of alleles in individuals of East Asian descent in gnomAD and is classified as uncertain in ClinVar (Variation ID: 664161). Although we suspect that this variant may be benign, at this time, the clinical significance of this variant is uncertain due to the absence of conclusive functional and genetic evidence.

St. Jude Molecular Pathology, St. Jude Children's Research Hospital
Classification: Uncertain significance for Familial adenomatous polyposis 3. Last evaluated: 2026-02-11. Review status: criteria provided, single submitter. Criteria: St. Jude Assertion Criteria 2020. Collection method: clinical testing. Allele origin: germline.
Comment: The NTHL1 c.20G>C p.(Arg7Thr) missense change has a maximum subpopulation frequency of 0.06% in gnomAD v2.1.1. The in silico tool REVEL predicts a benign effect on protein function, but to our knowledge this prediction has not been confirmed by functional studies. To our knowledge, this variant has not been reported in individuals with NTHL1-associated polyposis. In summary, the evidence currently available is insufficient to determine the clinical significance of this variant. It has therefore been classified as of uncertain significance.

Labcorp Genetics (formerly Invitae), Labcorp
Classification: Uncertain significance. Last evaluated: 2026-02-01. Review status: criteria provided, single submitter. Criteria: Invitae Variant Classification Sherloc (09022015). Collection method: clinical testing. Allele origin: germline.
Comment: This sequence change replaces arginine, which is basic and polar, with threonine, which is neutral and polar, at codon 15 of the NTHL1 protein (p.Arg15Thr). The frequency data for this variant in the population databases is considered unreliable, as metrics indicate poor data quality at this position in the gnomAD database. This variant has not been reported in the literature in individuals affected with NTHL1-related conditions. ClinVar contains an entry for this variant (Variation ID: 664161). An algorithm developed to predict the effect of missense changes on protein structure and function (PolyPhen-2) suggests that this variant is likely to be disruptive. In summary, the available evidence is currently insufficient to determine the role of this variant in disease. Therefore, it has been classified as a Variant of Uncertain Significance.

Center for Genomic Medicine, Rigshospitalet, Copenhagen University Hospital
Classification: Uncertain significance. Last evaluated: 2025-03-04. Review status: criteria provided, single submitter. Criteria: ACMG Guidelines, 2015. Collection method: clinical testing. Allele origin: germline.

Quest Diagnostics Nichols Institute San Juan Capistrano
Classification: Uncertain significance. Last evaluated: 2024-09-11. Review status: criteria provided, single submitter. Criteria: Quest Diagnostics criteria. Collection method: clinical testing. Allele origin: unknown.
Comment: The NTHL1 c.44G>C (p.Arg15Thr) variant has not been reported in individuals with NTHL1-related conditions in the published literature. The frequency of this variant in the general population, 0.000032 (1/31390 chromosomes (Genome Aggregation Database)), is uninformative in the assessment of its pathogenicity. Analysis of this variant using bioinformatics tools for the prediction of the effect of amino acid changes on protein structure and function yielded conflicting predictions that this variant is benign or damaging. Based on the available information, we are unable to determine the clinical significance of this variant.

GeneDx
Classification: Uncertain significance. Last evaluated: 2024-04-16. Review status: criteria provided, single submitter. Criteria: GeneDx Variant Classification Process June 2021. Collection method: clinical testing. Allele origin: germline. Affected: yes.
Comment: Not observed at significant frequency in large population cohorts (gnomAD); In silico analysis indicates that this missense variant does not alter protein structure/function; Has not been previously published as pathogenic or benign to our knowledge

Ambry Genetics
Classification: Uncertain significance for Hereditary cancer-predisposing syndrome. Last evaluated: 2024-03-11. Review status: criteria provided, single submitter. Criteria: Ambry Variant Classification Scheme 2023. Collection method: clinical testing. Allele origin: germline.
Comment: The p.R15T variant (also known as c.44G>C), located in coding exon 1 of the NTHL1 gene, results from a G to C substitution at nucleotide position 44. The arginine at codon 15 is replaced by threonine, an amino acid with similar properties. This amino acid position is well conserved in available vertebrate species. In addition, this alteration is predicted to be tolerated by in silico analysis. Based on the available evidence, the clinical significance of this alteration remains unclear.

Baylor Genetics
Classification: Uncertain significance for Familial adenomatous polyposis 3. Last evaluated: 2023-12-21. Review status: criteria provided, single submitter. Criteria: ACMG Guidelines, 2015. Collection method: clinical testing. Allele origin: unknown.

Fulgent Genetics
Classification: Uncertain significance for Familial adenomatous polyposis 3. Last evaluated: 2021-10-14. Review status: criteria provided, single submitter. Criteria: ACMG Guidelines, 2015. Collection method: clinical testing. Allele origin: unknown.

Sema4
Classification: Uncertain significance for Hereditary cancer-predisposing syndrome. Last evaluated: 2021-08-22. Review status: criteria provided, single submitter. Criteria: Sema4 Curation Guidelines. Collection method: curation. Allele origin: germline.
Comment: The NTHL1 c.44G>C (p.R15T) variant has not been reported in literature to our knowledge. This variant was observed in 1/31390 chromosomes in the large and broad cohorts of the Genome Aggregation Database (PMID: 32461654). This variant has been reported in ClinVar (Variation ID 664161). Functional studies have not been performed, and in silico predictions of the variant's effect on protein function are inconclusive. The overall evidence is insufficient to meet ACMG/AMP criteria for classifying it as benign or pathogenic. In summary, the clinical significance of this variant is currently uncertain.